The following is an entry in ClinVar:

ClinVar aggregate classification (germline): Uncertain significance (1 of 4 stars; one submission).

gnomAD v4.1: 1 of 1,614,240 alleles (0.000062%); highest among the groups gnomAD compares: Non-Finnish European, 0.000085%; no homozygotes.

Submission:

GeneDx
Classification: Uncertain significance. Last evaluated: 2024-09-16. Review status: criteria provided, single submitter. Criteria: GeneDx Variant Classification Process June 2021. Collection method: clinical testing. Allele origin: germline. Affected: yes.
Comment: In silico analysis supports that this missense variant has a deleterious effect on protein structure/function; Has not been previously published as pathogenic or benign to our knowledge

NM_006766.5(KAT6A):c.5535G>T (p.Leu1845Phe)

Gene: KAT6A (lysine acetyltransferase 6A; minus strand). Cytogenetic location: 8p11.21.
Variant type: single nucleotide variant.
Coding change: c.5535G>T on transcript NM_006766.5 (MANE Select); coding-DNA position 5535, G replaced by T.
Protein change: p.Leu1845Phe; replaces leucine 1845 with phenylalanine.
Molecular consequence: missense variant.
Genome position (GRCh38, 1-based): chr8:41,932,685, C>A on the plus strand (G>T on the coding strand, the complement: KAT6A is on the minus strand). VCF-style: chr8-41932685-C-A. GRCh37 (hg19) VCF-style: chr8-41790203-C-A.
Other names: short protein forms L1845F.
Identifiers: ClinVar variation 3769702 (VCV003769702.1).